The following is an entry in ClinVar:

NM_001291867.2(NHS):c.757G>A (p.Ala253Thr)

Gene: NHS (NHS actin remodeling regulator; plus strand). Cytogenetic location: Xp22.13.
Variant type: single nucleotide variant.
Coding change: c.757G>A on transcript NM_001291867.2 (MANE Select); coding-DNA position 757, G replaced by A.
Protein change: p.Ala253Thr; replaces alanine 253 with threonine.
Molecular consequence: missense variant.
Genome position (GRCh38, 1-based): chrX:17,692,373, G>A. VCF-style: chrX-17692373-G-A. GRCh37 (hg19) VCF-style: chrX-17710493-G-A.
Other names: c.226G>A, p.Ala76Thr (NM_001136024.4, NM_001291868.2); c.418G>A, p.Ala140Thr (NM_001440780.1); c.757G>A, p.Ala253Thr (NM_198270.4); short protein forms A76T, A140T, A253T.
Identifiers: ClinVar variation 5007934 (VCV005007934.1).
Genomic context (GRCh38, chrX:17,692,373, plus strand): 5'-TACTGCTTTTTCTCCTTCTCAGAACACCGGAGCCGGAGCGATCGCCGAGAGCAAAGAGCA[G>A]CTGCCCCCCTTTCCATTGCAGCTCCTCCACTGCCAGCCTACCCTCCAGCTCACAGCCAGA-3'
Protein context (NP_001278796.1, residues 243-263): SRSDRREQRA[Ala253Thr]APLSIAAPPL

ClinVar aggregate classification (germline): Uncertain significance (1 of 4 stars; one submission).

gnomAD v4.1: 4 of 1,210,967 alleles (0.00033%); highest among the groups gnomAD compares: South Asian, 0.0018%; no homozygotes.

Submission:

GeneDx
Classification: Uncertain significance. Last evaluated: 2026-02-26. Review status: criteria provided, single submitter. Criteria: GeneDx Variant Classification Process June 2021. Collection method: clinical testing. Allele origin: germline.
Comment: In silico analysis suggests that this missense variant does not alter protein structure/function; Has not been previously published as pathogenic or benign to our knowledge